The following is an entry in ClinVar:

ClinVar aggregate classification (germline): Uncertain significance (1 of 4 stars; one submission).

Submission:

GeneDx
Classification: Uncertain significance. Last evaluated: 2026-10-22. Review status: criteria provided, single submitter. Criteria: GeneDx Variant Classification Process June 2021. Collection method: clinical testing. Allele origin: germline.
Comment: Not observed at significant frequency in large population cohorts (gnomAD); In silico analysis supports that this missense variant has a deleterious effect on protein structure/function; Has not been previously published as pathogenic or benign to our knowledge; This variant is associated with the following publications: (PMID: 12070251)

NM_004380.3(CREBBP):c.4369T>C (p.Tyr1457His)

Gene: CREBBP (CREB binding lysine acetyltransferase; minus strand). Cytogenetic location: 16p13.3.
Variant type: single nucleotide variant.
Coding change: c.4369T>C on transcript NM_004380.3 (MANE Select); coding-DNA position 4369, T replaced by C.
Protein change: p.Tyr1457His; replaces tyrosine 1457 with histidine.
Molecular consequence: missense variant.
Genome position (GRCh38, 1-based): chr16:3,738,584, A>G on the plus strand (T>C on the coding strand, the complement: CREBBP is on the minus strand). VCF-style: chr16-3738584-A-G. GRCh37 (hg19) VCF-style: chr16-3788585-A-G.
Other names: c.4255T>C, p.Tyr1419His (NM_001079846.1); short protein forms Y1419H, Y1457H.
Identifiers: ClinVar variation 4082906 (VCV004082906.2).